The following is an entry in ClinVar:

NM_001365951.3(KIF1B):c.556G>A (p.Val186Ile)

Gene: KIF1B (kinesin family member 1B; plus strand). Cytogenetic location: 1p36.22.
Variant type: single nucleotide variant.
Coding change: c.556G>A on transcript NM_001365951.3 (MANE Select); coding-DNA position 556, G replaced by A.
Protein change: p.Val186Ile; replaces valine 186 with isoleucine.
Molecular consequence: missense variant.
Genome position (GRCh38, 1-based): chr1:10,267,506, G>A. VCF-style: chr1-10267506-G-A. GRCh37 (hg19) VCF-style: chr1-10327564-G-A.
Other names: c.556G>A, p.Val186Ile (NM_001365952.1, NM_001365953.1, NM_015074.3 and 1 more transcripts); short protein forms V186I.
Identifiers: ClinVar variation 4043142 (VCV004043142.1).
Genomic context (GRCh38, chr1:10,267,506, plus strand): 5'-TTGCGTGTGCGTGAACACCCACTTCTTGGACCCTATGTGGAGGATCTGTCCAAGTTGGCA[G>A]TTACTTCCTACACAGACATTGCTGACCTCATGGATGCTGGGAACAAAGCCAGGTATGGTA-3'
Protein context (NP_001352880.1, residues 176-196): PYVEDLSKLA[Val186Ile]TSYTDIADLM

ClinVar aggregate classification (germline): Uncertain significance (1 of 4 stars; one submission).

Submission:

Ambry Genetics
Classification: Uncertain significance. Last evaluated: 2025-05-19. Review status: criteria provided, single submitter. Criteria: Ambry Variant Classification Scheme 2023. Collection method: clinical testing. Allele origin: germline.
Comment: The p.V186I variant (also known as c.556G>A), located in coding exon 5 of the KIF1B gene, results from a G to A substitution at nucleotide position 556. The valine at codon 186 is replaced by isoleucine, an amino acid with highly similar properties. This amino acid position is conserved. In addition, the in silico prediction for this alteration is inconclusive. Based on the available evidence, the clinical significance of this variant remains unclear.